The following is an entry in ClinVar:

NM_001243133.2(NLRP3):c.1415C>A (p.Ala472Glu)

Gene: NLRP3 (NLR family pyrin domain containing 3; plus strand). Cytogenetic location: 1q44.
Variant type: single nucleotide variant.
Coding change: c.1415C>A on transcript NM_001243133.2 (MANE Select); coding-DNA position 1415, C replaced by A.
Protein change: p.Ala472Glu; replaces alanine 472 with glutamic acid.
Molecular consequence: missense variant.
Genome position (GRCh38, 1-based): chr1:247,424,864, C>A. VCF-style: chr1-247424864-C-A. GRCh37 (hg19) VCF-style: chr1-247588166-C-A.
Other names: c.1415C>A, p.Ala472Glu (NM_001079821.3, NM_001127461.3, NM_001127462.3 and 1 more transcripts); c.1421C>A, p.Ala474Glu (NM_004895.5); short protein forms A472E, A474E.
Identifiers: ClinVar variation 2879199 (VCV002879199.3), dbSNP rs895321691, ClinGen allele CA40691779.

ClinVar aggregate classification (germline): Uncertain significance (1 of 4 stars; one submission).

Conditions:
Cryopyrin associated periodic syndrome (CAPS). Identifiers: Orphanet 208650, MedGen C2316212, MONDO:0016168.

Allele frequency attached by ClinVar (database versions not stated): TOPMed below 0.00001.

Submission:

Labcorp Genetics (formerly Invitae), Labcorp
Classification: Uncertain significance for Cryopyrin associated periodic syndrome. Last evaluated: 2023-05-23. Review status: criteria provided, single submitter. Criteria: Invitae Variant Classification Sherloc (09022015). Collection method: clinical testing. Allele origin: germline.
Comment: In summary, the available evidence is currently insufficient to determine the role of this variant in disease. Therefore, it has been classified as a Variant of Uncertain Significance. Advanced modeling of protein sequence and biophysical properties (such as structural, functional, and spatial information, amino acid conservation, physicochemical variation, residue mobility, and thermodynamic stability) performed at Invitae indicates that this missense variant is expected to disrupt NLRP3 protein function. This variant has not been reported in the literature in individuals affected with NLRP3-related conditions. This variant is not present in population databases (gnomAD no frequency). This sequence change replaces alanine, which is neutral and non-polar, with glutamic acid, which is acidic and polar, at codon 474 of the NLRP3 protein (p.Ala474Glu).